The following is an entry in ClinVar:

NM_002354.3(EPCAM):c.517C>T (p.Arg173Cys)

Gene: EPCAM (epithelial cell adhesion molecule; plus strand). Cytogenetic location: 2p21.
Variant type: single nucleotide variant.
Coding change: c.517C>T on transcript NM_002354.3 (MANE Select); coding-DNA position 517, C replaced by T.
Protein change: p.Arg173Cys; replaces arginine 173 with cysteine.
Molecular consequence: missense variant.
Genome position (GRCh38, 1-based): chr2:47,377,039, C>T. VCF-style: chr2-47377039-C-T. GRCh37 (hg19) VCF-style: chr2-47604178-C-T.
Other names: short protein forms R173C.
Identifiers: ClinVar variation 239131 (VCV000239131.10), dbSNP rs747286107, ClinGen allele CA1649040.

ClinVar aggregate classification (germline): Uncertain significance. Review status: criteria provided, multiple submitters, no conflicts (2 of 4 stars). 2 submissions from 2 submitters: Uncertain significance (2). Last evaluated 2022-12-18.

Conditions:
Hereditary cancer-predisposing syndrome. Also called: Neoplastic Syndromes, Hereditary; Hereditary neoplastic syndrome; Tumor predisposition; Hereditary Cancer Syndrome. Identifiers: Orphanet 140162, MedGen C0027672, MeSH D009386, MONDO:0015356.

Allele frequency attached by ClinVar (database versions not stated): gnomAD exomes 0.00004 and 0.00002; TOPMed below 0.00001; ExAC 0.00001; gnomAD 0.00003.
gnomAD v4.1: 30 of 1,610,398 alleles (0.0019%); highest among the groups gnomAD compares: South Asian, 0.0011%; no homozygotes.

Submissions (2):

Ambry Genetics
Classification: Uncertain significance for Hereditary cancer-predisposing syndrome. Last evaluated: 2022-12-18. Review status: criteria provided, single submitter. Criteria: Ambry Variant Classification Scheme 2023. Collection method: clinical testing. Allele origin: germline.
Comment: The p.R173C variant (also known as c.517C>T), located in coding exon 5 of the EPCAM gene, results from a C to T substitution at nucleotide position 517. The arginine at codon 173 is replaced by cysteine, an amino acid with highly dissimilar properties. This amino acid position is conserved. In addition, this alteration is predicted to be deleterious by in silico analysis. Since supporting evidence is limited at this time, the clinical significance of this alteration remains unclear.

Labcorp Genetics (formerly Invitae), Labcorp
Classification: Uncertain significance. Last evaluated: 2015-12-28. Review status: criteria provided, single submitter. Criteria: Invitae Variant Classification Sherloc (09022015). Collection method: clinical testing. Allele origin: germline.
Comment: This variant is present in population databases (rs747286107, ExAC 0.006%) but has not been reported in the literature in individuals with a EPCAM-related disease. In summary, this is a rare missense change with uncertain impact on protein function. There is no indication that this variant causes disease, but the evidence is insufficient at this time to prove that conclusively. Therefore, it has been classified as a Variant of Uncertain Significance. Algorithms developed to predict the effect of missense changes on protein structure and function (SIFT, PolyPhen-2, Align-GVGD) all suggest that this variant is likely to be disruptive, but these predictions have not been confirmed by published functional studies. This sequence change replaces arginine with cysteine at codon 173 of the EPCAM protein (p.Arg173Cys). The arginine residue is highly conserved and there is a large physicochemical difference between arginine and cysteine.